The following is an entry in ClinVar:

ClinVar aggregate classification (germline): Benign/Likely benign. Review status: criteria provided, multiple submitters, no conflicts (2 of 4 stars). 3 submissions from 3 submitters: Benign (1); Likely benign (2). Last evaluated 2025-01-08.

Conditions:
Hereditary nonpolyposis colorectal neoplasms. Identifiers: MedGen C0009405, MeSH D003123.
Hereditary cancer-predisposing syndrome. Also called: Hereditary neoplastic syndrome; Neoplastic Syndromes, Hereditary; Tumor predisposition; Hereditary Cancer Syndrome. Identifiers: Orphanet 140162, MedGen C0027672, MeSH D009386, MONDO:0015356.
Lynch syndrome 5 (LYNCH5). Also called: Hereditary non-polyposis colorectal cancer, type 5; Colorectal cancer, hereditary nonpolyposis, type 5. Identifiers: Orphanet 144, MedGen C1833477, MONDO:0013710, OMIM 614350. Disease mechanism: loss of function.

gnomAD v4.1: 2 of 1,614,092 alleles (0.00012%); highest among the groups gnomAD compares: Non-Finnish European, 0.00017%; no homozygotes.

Submissions (3):

Myriad Genetics, Inc.
Classification: Benign for Lynch syndrome 5. Last evaluated: 2025-01-08. Review status: criteria provided, single submitter. Criteria: Myriad Autosomal Dominant, Autosomal Recessive and X-Linked Classification Criteria (2023). Collection method: clinical testing. Allele origin: unknown.
Comment: This variant is considered benign. This variant is a silent/synonymous amino acid change and it is not expected to impact splicing.

Labcorp Genetics (formerly Invitae), Labcorp
Classification: Likely benign for Hereditary nonpolyposis colorectal neoplasms. Last evaluated: 2023-02-03. Review status: criteria provided, single submitter. Criteria: Invitae Variant Classification Sherloc (09022015). Collection method: clinical testing. Allele origin: germline.

Ambry Genetics
Classification: Likely benign for Hereditary cancer-predisposing syndrome. Last evaluated: 2014-08-22. Review status: criteria provided, single submitter. Criteria: Ambry Variant Classification Scheme 2023. Collection method: clinical testing. Allele origin: germline.

NM_000179.3(MSH6):c.3790C>T (p.Leu1264=)

Gene: MSH6 (mutS homolog 6; plus strand). Cytogenetic location: 2p16.3.
Variant type: single nucleotide variant.
Coding change: c.3790C>T on transcript NM_000179.3 (MANE Select); coding-DNA position 3790, C replaced by T.
Protein change: p.Leu1264=; no amino-acid change (leucine 1264 retained).
Molecular consequence: synonymous variant.
Genome position (GRCh38, 1-based): chr2:47,806,347, C>T. VCF-style: chr2-47806347-C-T. GRCh37 (hg19) VCF-style: chr2-48033486-C-T.
Other names: c.3400C>T, p.Leu1134= (NM_001281492.2); c.2884C>T, p.Leu962= (NM_001281493.2, NM_001281494.2).
Identifiers: ClinVar variation 186104 (VCV000186104.14), dbSNP rs786202696, ClinGen allele CA014293.